The following is an entry in ClinVar:

ClinVar aggregate classification (germline): Uncertain significance (1 of 4 stars; one submission).

Conditions:
Xeroderma pigmentosum (XP). Identifiers: Orphanet 910, MedGen C0043346, MONDO:0019600.

Allele frequency attached by ClinVar (database versions not stated): ExAC 0.00001; gnomAD 0.00001; gnomAD exomes 0.00001; TOPMed 0.00002.
gnomAD v4.1: 8 of 1,613,846 alleles (0.0005%); highest among the groups gnomAD compares: East Asian, 0.0045%; no homozygotes.

Submission:

Sema4
Classification: Uncertain significance for Xeroderma pigmentosum. Last evaluated: 2021-04-06. Review status: criteria provided, single submitter. Criteria: Sema4 Curation Guidelines. Collection method: curation. Allele origin: germline.
Comment: The DDB2 c.702+5G>A variant has not been reported in the literature to our knowledge. It was observed in 1/18394 chromosomes of the East Asian subpopulation in the large and broad cohorts of the Genome Aggregation Database (PMID: 32461654). The variant has not been reported in ClinVar. In silico tools suggest the variant may potentially have an impact on splicing, though these predictions have not been confirmed by functional studies. The evidence is insufficient to meet ACMG/AMP criteria for classifying the variant as benign or pathogenic. Thus, the clinical significance of this variant is currently uncertain.

NM_000107.3(DDB2):c.702+5G>A

Gene: DDB2 (damage specific DNA binding protein 2; plus strand). Cytogenetic location: 11p11.2.
Variant type: single nucleotide variant.
Coding change: c.702+5G>A on transcript NM_000107.3 (MANE Select); 5 bases into the intron after coding-DNA position 702, G replaced by A.
Molecular consequence: intron variant.
Genome position (GRCh38, 1-based): chr11:47,234,677, G>A. VCF-style: chr11-47234677-G-A. GRCh37 (hg19) VCF-style: chr11-47256228-G-A.
Other names: c.702+5G>A (NM_001399874.1, NM_001399875.1); c.457-3160G>A (NM_001399876.1, NM_001300734.2); c.510+5G>A (NM_001399878.1).
Identifiers: ClinVar variation 1692151 (VCV001692151.1), dbSNP rs764606058, ClinGen allele CA5972590.